The following is an entry in ClinVar:

ClinVar aggregate classification (germline): Benign/Likely benign. Review status: criteria provided, multiple submitters, no conflicts (2 of 4 stars). 5 submissions from 5 submitters: Benign (1); Likely benign (2). 2 of the submissions do not count toward it. Last evaluated 2026-09-01.

Allele frequency attached by ClinVar (database versions not stated): 1000 Genomes Project 30x 0.00031; 1000 Genomes Project 0.00040; ExAC 0.00114; gnomAD exomes 0.00118 and 0.00167; gnomAD 0.00123 and 0.00128; TOPMed 0.00140; ESP Exome Variant Server 0.00179.
gnomAD v4.1: 2,609 of 1,614,120 alleles (0.16%); highest among the groups gnomAD compares: Non-Finnish European, 0.2%; 5 homozygotes.

Submissions (5):

CeGaT Center for Human Genetics Tuebingen
Classification: Likely benign. Last evaluated: 2026-09-01. Review status: criteria provided, single submitter. Criteria: CeGaT Center For Human Genetics Tuebingen Variant Classification Criteria Version 2. Collection method: clinical testing. Allele origin: germline. Affected: yes. Observed: 6 variant alleles.
Comment: MYO5A: BP4, BP7

Labcorp Genetics (formerly Invitae), Labcorp
Classification: Benign. Last evaluated: 2025-12-08. Review status: criteria provided, single submitter. Criteria: Invitae Variant Classification Sherloc (09022015). Collection method: clinical testing. Allele origin: germline.

Blueprint Genetics
Classification: Likely benign. Last evaluated: 2024-11-26. Review status: criteria provided, single submitter. Criteria: ACMG Guidelines, 2015. Collection method: clinical testing. Allele origin: germline.

Clinical Genetics, Academic Medical Center
Classification: Likely benign. Review status: no assertion criteria provided. Collection method: clinical testing. Allele origin: germline. Affected: yes. Study: VKGL Data-share Consensus. Not counted in ClinVar's aggregate classification.

Genome Diagnostics Laboratory, University Medical Center Utrecht
Classification: Likely benign. Review status: no assertion criteria provided. Collection method: clinical testing. Allele origin: germline. Affected: yes. Study: VKGL Data-share Consensus. Not counted in ClinVar's aggregate classification.

NM_001382347.1(MYO5A):c.2067C>G (p.Thr689=)

Gene: MYO5A (myosin VA; minus strand). Cytogenetic location: 15q21.2.
Variant type: single nucleotide variant.
Coding change: c.2067C>G on transcript NM_001382347.1 (MANE Select); coding-DNA position 2067, C replaced by G.
Protein change: p.Thr689=; no amino-acid change (threonine 689 retained).
Molecular consequence: synonymous variant.
Genome position (GRCh38, 1-based): chr15:52,379,854, G>C on the plus strand (C>G on the coding strand, the complement: MYO5A is on the minus strand). VCF-style: chr15-52379854-G-C. GRCh37 (hg19) VCF-style: chr15-52672051-G-C.
Other names: c.2067C>G, p.Thr689= (NM_000259.3, NM_001142495.2); c.2139C>G, p.Thr713= (NM_001382348.1, NM_001382349.1).
Identifiers: ClinVar variation 714002 (VCV000714002.36), dbSNP rs111806567, ClinGen allele CA7568809.